The following is an entry in ClinVar:

NM_000719.7(CACNA1C):c.4549GTG[1] (p.Val1518del)

Gene: CACNA1C (calcium voltage-gated channel subunit alpha1 C; plus strand). Cytogenetic location: 12p13.33.
Variant type: Microsatellite.
Coding change: c.4549GTG[1] on transcript NM_000719.7 (MANE Select); one copy of the 3-base unit GTG starting at c.4549; the reference has two copies in a row; one copy, 3 bases deleted.
Protein change: p.Val1518del; deletes valine 1518.
Molecular consequence: inframe deletion. On other transcripts: inframe indel (2).
Genome position (GRCh38, 1-based): chr12:2,666,711-2,666,713, GTG deleted; deleting any 3 consecutive bases within chr12:2,666,708-2,666,713 gives the same sequence; the position shown is the placement nearest the transcript's 3' end. VCF-style (leftmost placement, unchanged base first): chr12-2666707-TGTG-T. GRCh37 (hg19) VCF-style: chr12-2775873-TGTG-T.
Other names: c.4549_4551GTG[1], p.Val1518del (NM_000719.6); c.4693GTG[1], p.Val1566del (NM_001129827.2, NM_199460.4); c.4615GTG[1], p.Val1540del (NM_001129829.2); c.4549GTG[1], p.Val1518del (NM_001129830.3, NM_001129833.2, NM_001129834.2 and 7 more transcripts); c.4633GTG[1], p.Val1546del (NM_001129831.2); c.4609GTG[1], p.Val1538del (NM_001129832.2); c.4600GTG[1], p.Val1535del (NM_001129836.2); c.4516GTG[1], p.Val1507del (NM_001129837.2, NM_001129838.2, NM_001129846.2 and 1 more transcripts); and 3 more; short protein forms V1505del, V1535del, V1566del, V1515del, V1538del, V1507del, V1518del, V1540del.
Identifiers: ClinVar variation 1741447 (VCV001741447.2), dbSNP rs2529910797, ClinGen allele CA2580615115.

ClinVar aggregate classification (germline): Uncertain significance (1 of 4 stars; one submission).

Conditions:
Cardiovascular phenotype. Identifiers: MedGen CN230736.

Submission:

Ambry Genetics
Classification: Uncertain significance for Cardiovascular phenotype. Last evaluated: 2019-05-30. Review status: criteria provided, single submitter. Criteria: Ambry Variant Classification Scheme 2023. Collection method: clinical testing. Allele origin: germline.
Comment: The c.4552_4554delGTG variant (also known as p.V1518del) is located in coding exon 37 of the CACNA1C gene. This variant results from an in-frame GTG deletion at nucleotide positions 4552 to 4554. This results in the in-frame deletion of a valine at codon 1518. This amino acid position is highly conserved in available vertebrate species. In addition, this alteration is predicted to be deleterious by in silico analysis (Choi Y et al., PLoS ONE 2012; 7(10):e46688). Since supporting evidence is limited at this time, the clinical significance of this alteration remains unclear.